The following is an entry in ClinVar:

NM_006361.6(HOXB13):c.275T>A (p.Val92Glu)

Gene: HOXB13 (homeobox B13; minus strand). Cytogenetic location: 17q21.32.
Variant type: single nucleotide variant.
Coding change: c.275T>A on transcript NM_006361.6 (MANE Select); coding-DNA position 275, T replaced by A.
Protein change: p.Val92Glu; replaces valine 92 with glutamic acid.
Molecular consequence: missense variant.
Genome position (GRCh38, 1-based): chr17:48,728,319, A>T on the plus strand (T>A on the coding strand, the complement: HOXB13 is on the minus strand). VCF-style: chr17-48728319-A-T. GRCh37 (hg19) VCF-style: chr17-46805681-A-T.
Other names: short protein forms V92E.
Identifiers: ClinVar variation 2173319 (VCV002173319.5), dbSNP rs2509515528, ClinGen allele CA400107784.
Genomic context (GRCh38, chr17:48,728,319, plus strand): 5'-TCCGCGGGGTACGCGGCCAGGGTGGCTGCCTGGGCACAGGGTTTCAGCGAGCTCCGGGAC[A>T]CTCGGCAGGAGTAGTACCCGCCTCCAAAGTAACCATAAGGCACGGGAGCTGGGGACGTCC-3'
Protein context (NP_006352.2, residues 82-102): YFGGGYYSCR[Val92Glu]SRSSLKPCAQ

ClinVar aggregate classification (germline): Uncertain significance. Review status: criteria provided, multiple submitters, no conflicts (2 of 4 stars). 2 submissions from 2 submitters: Uncertain significance (2). Last evaluated 2025-11-23.

Conditions:
Hereditary cancer-predisposing syndrome. Also called: Tumor predisposition; Hereditary neoplastic syndrome; Neoplastic Syndromes, Hereditary; Hereditary Cancer Syndrome. Identifiers: Orphanet 140162, MedGen C0027672, MeSH D009386, MONDO:0015356.

Submissions (2):

Labcorp Genetics (formerly Invitae), Labcorp
Classification: Uncertain significance. Last evaluated: 2025-11-23. Review status: criteria provided, single submitter. Criteria: Invitae Variant Classification Sherloc (09022015). Collection method: clinical testing. Allele origin: germline.
Comment: This sequence change replaces valine, which is neutral and non-polar, with glutamic acid, which is acidic and polar, at codon 92 of the HOXB13 protein (p.Val92Glu). This variant is not present in population databases (gnomAD no frequency). This variant has not been reported in the literature in individuals affected with HOXB13-related conditions. ClinVar contains an entry for this variant (Variation ID: 2173319). Invitae Evidence Modeling of protein sequence and biophysical properties (such as structural, functional, and spatial information, amino acid conservation, physicochemical variation, residue mobility, and thermodynamic stability) indicates that this missense variant is not expected to disrupt HOXB13 protein function with a negative predictive value of 80%. In summary, the available evidence is currently insufficient to determine the role of this variant in disease. Therefore, it has been classified as a Variant of Uncertain Significance.

Ambry Genetics
Classification: Uncertain significance for Hereditary cancer-predisposing syndrome. Last evaluated: 2024-07-28. Review status: criteria provided, single submitter. Criteria: Ambry Variant Classification Scheme 2023. Collection method: clinical testing. Allele origin: germline.
Comment: The p.V92E variant (also known as c.275T>A), located in coding exon 1 of the HOXB13 gene, results from a T to A substitution at nucleotide position 275. The valine at codon 92 is replaced by glutamic acid, an amino acid with dissimilar properties. This amino acid position is conserved. In addition, the in silico prediction for this alteration is inconclusive. Based on the available evidence, the clinical significance of this variant remains unclear.